The following is an entry in ClinVar:

ClinVar aggregate classification (germline): Uncertain significance (1 of 4 stars; one submission).

Conditions:
Combined oxidative phosphorylation deficiency 56 (COXPD56). Identifiers: MedGen C5774261, MONDO:0859323, OMIM 620139.

gnomAD v4.1: 4 of 1,614,174 alleles (0.00025%); highest among the groups gnomAD compares: South Asian, 0.0033%; no homozygotes.

Submission:

Neuberg Centre For Genomic Medicine, NCGM
Classification: Uncertain significance for Combined oxidative phosphorylation deficiency 56. Review status: criteria provided, single submitter. Criteria: ACMG Guidelines, 2015. Collection method: clinical testing. Allele origin: germline. Inheritance: Autosomal recessive inheritance. Affected: yes.
Comment: The observed missense variant c.264G>C (p.Gln88His) in TAMM41 gene has not been reported previously as a pathogenic variant nor as a benign variant, to our knowledge. The p.Gln88His variant is absent on gnomAD exomes database. This variant has not been submitted to the ClinVar database. Multiple lines of computational evidence (SIFT - damaging; Polyphen - probably damaging; MutationTaster - disease causing) predict a damaging effect on protein structure and function for this variant. The reference amino acid at this position on TAMM41 gene is predicted as conserved by GERP++ and PhyloP across 100 vertebrates. The amino acid Gln at position 88 is changed to a His changing protein sequence and it might alter its composition and physico-chemical properties. For these reasons, this variant has been classified as a Variant of Uncertain Significance (VUS).

NM_001284401.2(TAMM41):c.264G>C (p.Gln88His)

Gene: TAMM41 (TAM41 mitochondrial translocator assembly and maintenance homolog). Cytogenetic location: 3p25.2.
Variant type: single nucleotide variant.
Coding change: c.264G>C on transcript NM_001284401.2 (MANE Select); coding-DNA position 264, G replaced by C.
Protein change: p.Gln88His; replaces glutamine 88 with histidine.
Molecular consequence: missense variant. On other transcripts: 5 prime UTR variant (1), non-coding transcript variant (10).
Genome position (GRCh38, 1-based): chr3:11,844,083, C>G on the plus strand (G>C on the coding strand, the complement: TAMM41 is on the minus strand). VCF-style: chr3-11844083-C-G. GRCh37 (hg19) VCF-style: chr3-11885557-C-G.
Other names: c.141G>C, p.Gln47His (NM_001321294.2); c.-384G>C (NM_001321295.2); c.264G>C, p.Gln88His (NM_001366031.2, NM_001394474.1, NM_138807.4); short protein forms Q47H, Q88H.
Identifiers: ClinVar variation 3362810 (VCV003362810.4).